The following is an entry in ClinVar:

ClinVar aggregate classification (germline): Pathogenic (1 of 4 stars; one submission).

Conditions:
Trichorhinophalangeal dysplasia type I (TRPS1). Also called: TRICHORHINOPHALANGEAL SYNDROME, TYPE I; TRPS I. Identifiers: Orphanet 77258, MedGen C0432233, MONDO:0008596, OMIM 190350.
Trichorhinophalangeal syndrome, type III (TRPS3). Also called: SUGIO-KAJII SYNDROME. Identifiers: Orphanet 77258, MedGen C1860823, OMIM 190351, MONDO:0008597.

Submission:

Labcorp Genetics (formerly Invitae), Labcorp
Classification: Pathogenic for Trichorhinophalangeal syndrome, type III; Trichorhinophalangeal dysplasia type I. Last evaluated: 2023-06-01. Review status: criteria provided, single submitter. Criteria: Invitae Variant Classification Sherloc (09022015). Collection method: clinical testing. Allele origin: germline.
Comment: For these reasons, this variant has been classified as Pathogenic. This variant has not been reported in the literature in individuals affected with TRPS1-related conditions. This variant is not present in population databases (gnomAD no frequency). This sequence change creates a premature translational stop signal (p.Asn19Glufs*10) in the TRPS1 gene. It is expected to result in an absent or disrupted protein product. Loss-of-function variants in TRPS1 are known to be pathogenic (PMID: 11112658).

Literature cited by the submitters: PubMed 11112658.

NM_014112.5(TRPS1):c.54dup (p.Asn19fs)

Gene: TRPS1 (transcriptional repressor GATA binding 1; minus strand). Cytogenetic location: 8q23.3.
Variant type: Duplication.
Coding change: c.54dup on transcript NM_014112.5 (MANE Select); coding-DNA position 54, one base duplicated (G; older notation c.54dupG).
Protein change: p.Asn19fs; shifts the reading frame from asparagine 19.
Molecular consequence: frameshift variant.
Genome position (GRCh38, 1-based): chr8:115,620,044, C duplicated on the plus strand (G on the coding strand, the reverse complement: TRPS1 is on the minus strand). VCF-style (leftmost placement, unchanged base first): chr8-115620043-T-TC. GRCh37 (hg19) VCF-style: chr8-116632270-T-TC.
Other names: c.27dup, p.Asn10fs (NM_001282902.3); c.33dup, p.Asn12fs (NM_001282903.3); c.15dup, p.Asn6fs (NM_001330599.2); short protein forms N19fs, N10fs, N6fs, N12fs.
Identifiers: ClinVar variation 2948223 (VCV002948223.3), dbSNP rs2536916470, ClinGen allele CA2740095129.